The following is an entry in ClinVar:

NM_001042413.2(GLIS3):c.1145C>A (p.Pro382Gln)

Gene: GLIS3 (GLIS family zinc finger 3; minus strand). Cytogenetic location: 9p24.2.
Variant type: single nucleotide variant.
Coding change: c.1145C>A on transcript NM_001042413.2 (MANE Select); coding-DNA position 1145, C replaced by A.
Protein change: p.Pro382Gln; replaces proline 382 with glutamine.
Molecular consequence: missense variant.
Genome position (GRCh38, 1-based): chr9:4,118,333, G>T on the plus strand (C>A on the coding strand, the complement: GLIS3 is on the minus strand). VCF-style: chr9-4118333-G-T. GRCh37 (hg19) VCF-style: chr9-4118333-G-T.
Other names: c.680C>A, p.Pro227Gln (NM_152629.4); short protein forms P382Q, P227Q.
Identifiers: ClinVar variation 2136728 (VCV002136728.2), dbSNP rs937756052, ClinGen allele CA188328587.
Genomic context (GRCh38, chr9:4,118,333, plus strand): 5'-CCGCCGTGCTCCAGCTGTTGCATGCGCTCGTGCTCCAGGGCCCCGTCCTCGCCGTAGGCC[G>T]GCAGCGCCAGGCCTCCAGGGGCCACCAGCACGCCCTTCTGGCTGCCGGGCACCGGGCGCG-3'
Protein context (NP_001035878.1, residues 372-392): VLVAPGGLAL[Pro382Gln]AYGEDGALEH

ClinVar aggregate classification (germline): Uncertain significance. Review status: criteria provided, multiple submitters, no conflicts (2 of 4 stars). 2 submissions from 2 submitters: Uncertain significance (2). Last evaluated 2024-04-16.

Conditions:
Neonatal diabetes mellitus with congenital hypothyroidism. Also called: NDH SYNDROME. Identifiers: Orphanet 79118, MedGen C1857775, MONDO:0012436, OMIM 610199.

Allele frequency attached by ClinVar (database versions not stated): gnomAD 0.00005.
gnomAD v4.1: 35 of 1,575,016 alleles (0.0022%); highest among the groups gnomAD compares: Admixed American, 0.013%; no homozygotes.

Submissions (2):

Fulgent Genetics
Classification: Uncertain significance for Neonatal diabetes mellitus with congenital hypothyroidism. Last evaluated: 2024-04-16. Review status: criteria provided, single submitter. Criteria: ACMG Guidelines, 2015. Collection method: clinical testing. Allele origin: germline.

Labcorp Genetics (formerly Invitae), Labcorp
Classification: Uncertain significance. Last evaluated: 2022-07-12. Review status: criteria provided, single submitter. Criteria: Invitae Variant Classification Sherloc (09022015). Collection method: clinical testing. Allele origin: germline.
Comment: This sequence change replaces proline, which is neutral and non-polar, with glutamine, which is neutral and polar, at codon 227 of the GLIS3 protein (p.Pro227Gln). The frequency data for this variant in the population databases is considered unreliable, as metrics indicate poor data quality at this position in the gnomAD database. This missense change has been observed in individual(s) with congenital hypothyroidism (PMID: 28444304). This variant is also known as p.Pro382Gln. Algorithms developed to predict the effect of missense changes on protein structure and function are either unavailable or do not agree on the potential impact of this missense change (SIFT: "Tolerated"; PolyPhen-2: "Probably Damaging"; Align-GVGD: "Class C0"). In summary, the available evidence is currently insufficient to determine the role of this variant in disease. Therefore, it has been classified as a Variant of Uncertain Significance.

Literature cited by the submitters: PubMed 28444304 (cited by Labcorp Genetics (formerly Invitae), Labcorp).